The following continues an entry in ClinVar:

NM_001042492.3(NF1):c.3445A>G (p.Met1149Val)

Gene: NF1. ClinVar aggregate classification (germline): Pathogenic/Likely pathogenic. Pathogenic (12); Likely pathogenic (5). ClinVar aggregate classification (somatic clinical impact): Tier I - Strong.

Submissions 11 to 18 of 18:

Illumina Laboratory Services, Illumina
Classification: Pathogenic for Neurofibromatosis, type 1. Last evaluated: 2022-05-05. Review status: criteria provided, single submitter. Criteria: ICSLVariantClassificationCriteria RUGD 01 April 2020. Collection method: clinical testing. Allele origin: unknown.
Comment: The NF1 c.3445A>G (p.Met1149Val) variant results in the substitution of a methionine at amino acid position 1149 with valine. This variant has been reported in at least 38 heterozygous individuals with neurofibromatosis type 1 (Koczkowska et al. 2020). This variant is reported in the Genome Aggregation Database in one allele at a frequency of 0.000046 in the European (Finnish) population (version 2.1.1). The Met1149 residue has been identified as a non-truncating hotspot in the gene (Koczkowska et al. 2020) with additional pathogenic variants that have been identified in patients with neurofibromatosis type 1 within two residues on each side of the variant. Three other amino acid changes due to missense variants at the Met1149 residue that have been reported in the literature and found in at least 13 individuals with neurofibromatosis type 1 (Koczkowska et al. 2020). Multiple lines of computational evidence suggest the variant may have a deleterious effect on the gene or gene product. Based on the available evidence, the c.3445A>G (p.Met1149Val) variant is classified as pathogenic for neurofibromatosis type 1.

Genome-Nilou Lab
Classification: Likely pathogenic for Neurofibromatosis, type 1. Last evaluated: 2022-03-15. Review status: criteria provided, single submitter. Criteria: ACMG Guidelines, 2015. Collection method: clinical testing. Allele origin: germline. Affected: no.

Institute for Clinical Genetics, University Hospital TU Dresden, University Hospital TU Dresden
Classification: Likely pathogenic. Last evaluated: 2021-11-03. Review status: criteria provided, single submitter. Criteria: ACMG Guidelines, 2015. Collection method: clinical testing. Allele origin: germline.

UAB Medical Genomics Laboratory, UAB Medicine
Classification: Pathogenic for Neurofibromatosis, type 1. Last evaluated: 2019-06-05. Review status: criteria provided, single submitter. Criteria: ACMG Guidelines, 2015. Collection method: clinical testing. Allele origin: inherited. Affected: yes.

Center for Human Genetics, Inc
Classification: Likely pathogenic for Neurofibromatosis, type 1. Last evaluated: 2016-11-01. Review status: criteria provided, single submitter. Criteria: ACMG Guidelines, 2015. Collection method: clinical testing. Allele origin: germline. Affected: yes.

Center for Genomics, Ann and Robert H. Lurie Children's Hospital of Chicago
Classification: Pathogenic for Café-au-lait macules with pulmonary stenosis; Juvenile myelomonocytic leukemia; Neurofibromatosis, familial spinal; Neurofibromatosis, type 1; Neurofibromatosis-Noonan syndrome. Review status: criteria provided, single submitter. Criteria: ACMG Guidelines, 2015. Collection method: clinical testing. Allele origin: germline.
Comment: NF1 NM_000267.3 exon 26 p.Met1149Val (c.3445A>G): This variant has been reported in the literature in multiple individuals with features of neurofibromatosis type I, segregating with disease in several affected family members (van Minkelen 2014 PMID:23656349, Domingues 2014 PMID:24711935, Koczkowska 2020 PMID:31595648). This variant is not present in large control databases but is present in ClinVar, with several labs classifying this variant as pathogenic or likely pathogenic (Variation ID:527517). Evolutionary conservation and computational predictive tools suggest that this variant may impact the protein. Additionally, splice prediction tools suggest that this variant may affect splicing. However, further studies are needed to understand its impact. In summary, this variant is classified as pathogenic based on the data above

Juno Genomics, Hangzhou Juno Genomics, Inc
Classification: Pathogenic for Juvenile myelomonocytic leukemia; Neurofibromatosis, familial spinal; Neurofibromatosis, type 1; Neurofibromatosis-Noonan syndrome; Café-au-lait macules with pulmonary stenosis. Review status: criteria provided, single submitter. Criteria: ACMG Guidelines, 2015. Collection method: clinical testing. Allele origin: germline. Affected: yes.
Comment: Absent from controls (or at extremely low frequency if recessive) in Genome Aggregation Database, Exome Sequencing Project, 1000 Genomes Project, or Exome Aggregation Consortium.;The prevalence of the variant in affected individuals is significantly increased compared to the prevalence in controls.;Multiple lines of computational evidence support a deleterious effect on the gene or gene product (conservation, evolutionary, splicing impact, etc).;Patient's phenotype or family history is highly specific for a disease with a single genetic etiology.;Novel missense change at an amino acid residue where a different missense change determined to be pathogenic has been seen before.;Co-segregation with disease in multiple affected family members in a gene definitively known to cause the disease.

Neuberg Centre For Genomic Medicine, NCGM
Classification: Pathogenic for Neurofibromatosis-Noonan syndrome. Review status: criteria provided, single submitter. Criteria: ACMG Guidelines, 2015. Collection method: clinical testing. Allele origin: germline. Inheritance: Autosomal dominant inheritance. Affected: yes.
Comment: The observed missense variant c.3445A>G(p.Met1149Val) in NF1 gene has been reported previously in heterozygous state in multiple individuals with neurofibromatosis (Koczkowska M, et al., 2020, Domingues S, et al., 2014 ). The Met1149 residue has been identified as a non-truncating hotspot in the gene with additional pathogenic variants that have been identified in patients with neurofibromatosis type 1 within two residues on each side of the variant (Koczkowska et al. 2020). Three other amino acid changes due to missense variants at the Met1149 residue that have been reported. The (p.Met1149Val) variant is reported with 0.0004% allele frequecny in gnomAD Exomes. This variant has been reported to the ClinVar database as Pathogenic/Likely Pathogenic. Multiple lines of computational evidence (Polyphen- probably damaging, SIFT-damaging and Mutation Taster-disease causing) predict a damaging effect on protein structure and function for this variant. The amino acid Met at position 1149 is changed to a Val changing protein sequence and it might alter its composition and physico-chemical properties. The reference amino acid p.Met1149Val in NF1 is predicted as conserved by GERP++ and PhyloP across 100 vertebrates. For these reasons, this variant has been classified as Pathogenic.

Literature cited by the submitters: PubMed 23656349 (cited by Labcorp Genetics (formerly Invitae), Labcorp); PubMed 24711935 (cited by Labcorp Genetics (formerly Invitae), Labcorp and Ambry Genetics); PubMed 28706617 (cited by Labcorp Genetics (formerly Invitae), Labcorp and Ambry Genetics); PubMed 31595648 (cited by 3 submitters); PubMed 16944272 (cited by Labcorp Genetics (formerly Invitae), Labcorp); PubMed 27322474 (cited by Labcorp Genetics (formerly Invitae), Labcorp); PubMed 24705251 (cited by Institute for Genomic Medicine (IGM) Clinical Laboratory, Nationwide Children's Hospital); PubMed 28966033 (cited by Institute for Genomic Medicine (IGM) Clinical Laboratory, Nationwide Children's Hospital); PubMed 33433639 (cited by Institute for Genomic Medicine (IGM) Clinical Laboratory, Nationwide Children's Hospital); PubMed 34796414 (cited by Institute for Genomic Medicine (IGM) Clinical Laboratory, Nationwide Children's Hospital); PubMed 32862234 (cited by Institute for Genomic Medicine (IGM) Clinical Laboratory, Nationwide Children's Hospital); PubMed 34759345 (cited by Institute for Genomic Medicine (IGM) Clinical Laboratory, Nationwide Children's Hospital); PubMed 32582540 (cited by Institute for Genomic Medicine (IGM) Clinical Laboratory, Nationwide Children's Hospital); PubMed 35456430 (cited by Institute for Genomic Medicine (IGM) Clinical Laboratory, Nationwide Children's Hospital); PubMed 31776437 (cited by Ambry Genetics); PubMed 38226287 (cited by Ambry Genetics); PubMed 29290338 (cited by UAB Medical Genomics Laboratory, UAB Medicine).